The following is an entry in ClinVar:

ClinVar aggregate classification (germline): Uncertain significance. Review status: criteria provided, multiple submitters, no conflicts (2 of 4 stars). 3 submissions from 3 submitters: Uncertain significance (3). Last evaluated 2025-03-16.

Conditions:
Dilated cardiomyopathy 1AA (CMD1AA). Also called: CARDIOMYOPATHY, DILATED, 1AA, WITH OR WITHOUT LEFT VENTRICULAR NONCOMPACTION; CARDIOMYOPATHY, FAMILIAL HYPERTROPHIC, 23, WITH OR WITHOUT LEFT VENTRICULAR NONCOMPACTION; Cardiomyopathy, dilated, 1AA, with or without LVNC. Identifiers: Orphanet 154, MedGen C2677338, MONDO:0012808, OMIM 612158.
Primary familial hypertrophic cardiomyopathy (HCM). Identifiers: Orphanet 99739, MedGen C0949658, MeSH D024741, MONDO:0024573. Inheritance: Various modes of inheritance.
Cardiovascular phenotype. Identifiers: MedGen CN230736.

gnomAD v4.1: 61 of 1,614,130 alleles (0.0038%); highest among the groups gnomAD compares: Non-Finnish European, 0.0051%; no homozygotes.

Submissions (3):

Labcorp Genetics (formerly Invitae), Labcorp
Classification: Uncertain significance for Primary familial hypertrophic cardiomyopathy; Dilated cardiomyopathy 1AA. Last evaluated: 2025-03-16. Review status: criteria provided, single submitter. Criteria: Invitae Variant Classification Sherloc (09022015). Collection method: clinical testing. Allele origin: germline.
Comment: This sequence change replaces asparagine, which is neutral and polar, with lysine, which is basic and polar, at codon 763 of the ACTN2 protein (p.Asn763Lys). This variant is present in population databases (no rsID available, gnomAD 0.0009%). This missense change has been observed in individual(s) with clinical features of ACTN2-related conditions (PMID: 27532257). ClinVar contains an entry for this variant (Variation ID: 432785). Invitae Evidence Modeling of protein sequence and biophysical properties (such as structural, functional, and spatial information, amino acid conservation, physicochemical variation, residue mobility, and thermodynamic stability) indicates that this missense variant is not expected to disrupt ACTN2 protein function with a negative predictive value of 95%. In summary, the available evidence is currently insufficient to determine the role of this variant in disease. Therefore, it has been classified as a Variant of Uncertain Significance.

Ambry Genetics
Classification: Uncertain significance for Cardiovascular phenotype. Last evaluated: 2024-02-01. Review status: criteria provided, single submitter. Criteria: Ambry Variant Classification Scheme 2023. Collection method: clinical testing. Allele origin: germline.
Comment: The p.N763K variant (also known as c.2289C>G), located in coding exon 18 of the ACTN2 gene, results from a C to G substitution at nucleotide position 2289. The asparagine at codon 763 is replaced by lysine, an amino acid with similar properties. This alteration was identified in 1 patient with dilated cardiomyopathy (DCM) in a large study of pathogenicity of Mendelian variants in cardiomyopathy patients, but clinical details are limited (Walsh R et al. Genet Med, 2017 Feb;19:192-203). This amino acid position is highly conserved in available vertebrate species. In addition, this alteration is predicted to be tolerated by in silico analysis. Based on the available evidence, the clinical significance of this alteration remains unclear.

GeneDx
Classification: Uncertain significance. Last evaluated: 2017-06-16. Review status: criteria provided, single submitter. Criteria: GeneDx Variant Classification (06012015). Collection method: clinical testing. Allele origin: germline. Affected: yes.
Comment: The N763K variant in the ACTN2 gene has been identified in an individual with dilated cardiomyopathy and was reported as a variant of uncertain significance (Walsh et al., 2017). The N763K variant is not observed in large population cohorts (Lek et al., 2016; 1000 Genomes Consortium et al., 2015; Exome Variant Server). The N763K variant is a semi-conservative amino acid substitution, which occurs at a position that is conserved across species. In silico analysis predicts this variant is probably damaging to the protein structure/function. We interpret N763K as a variant of uncertain significance,

Literature cited by the submitters: PubMed 27532257 (cited by Labcorp Genetics (formerly Invitae), Labcorp and Ambry Genetics).

NM_001103.4(ACTN2):c.2289C>G (p.Asn763Lys)

Gene: ACTN2 (actinin alpha 2; plus strand). Cytogenetic location: 1q43.
Variant type: single nucleotide variant.
Coding change: c.2289C>G on transcript NM_001103.4 (MANE Select); coding-DNA position 2289, C replaced by G.
Protein change: p.Asn763Lys; replaces asparagine 763 with lysine.
Molecular consequence: missense variant.
Genome position (GRCh38, 1-based): chr1:236,757,620, C>G. VCF-style: chr1-236757620-C-G. GRCh37 (hg19) VCF-style: chr1-236920920-C-G.
Other names: c.2289C>G, p.Asn763Lys (NM_001278343.2); c.1665C>G, p.Asn555Lys (NM_001278344.2); short protein forms N763K, N555K.
Identifiers: ClinVar variation 432785 (VCV000432785.8), dbSNP rs745579917, ClinGen allele CA345389301.